The following is an entry in ClinVar:

NM_013296.5(GPSM2):c.1577C>T (p.Thr526Ile)

Gene: GPSM2 (G protein signaling modulator 2; plus strand). Cytogenetic location: 1p13.3.
Variant type: single nucleotide variant.
Coding change: c.1577C>T on transcript NM_013296.5 (MANE Select); coding-DNA position 1577, C replaced by T.
Protein change: p.Thr526Ile; replaces threonine 526 with isoleucine.
Molecular consequence: missense variant.
Genome position (GRCh38, 1-based): chr1:108,922,553, C>T. VCF-style: chr1-108922553-C-T. GRCh37 (hg19) VCF-style: chr1-109465175-C-T.
Other names: c.1577C>T, p.Thr526Ile (NM_001321038.2, NM_001321039.3); short protein forms T526I.
Identifiers: ClinVar variation 3764272 (VCV003764272.1).

ClinVar aggregate classification (germline): Uncertain significance (1 of 4 stars; one submission).

Submission:

GeneDx
Classification: Uncertain significance. Last evaluated: 2024-08-22. Review status: criteria provided, single submitter. Criteria: GeneDx Variant Classification Process June 2021. Collection method: clinical testing. Allele origin: germline. Affected: yes.
Comment: Not observed at significant frequency in large population cohorts (gnomAD); In silico analysis indicates that this missense variant does not alter protein structure/function; Has not been previously published as pathogenic or benign to our knowledge